The following is an entry in ClinVar:

NM_001048174.2(MUTYH):c.421-12T>G

Gene: MUTYH (mutY DNA glycosylase; minus strand). Cytogenetic location: 1p34.1.
Variant type: single nucleotide variant.
Coding change: c.421-12T>G on transcript NM_001048174.2 (MANE Select); 12 bases into the intron before coding-DNA position 421, T replaced by G.
Molecular consequence: intron variant.
Genome position (GRCh38, 1-based): chr1:45,332,846, A>C on the plus strand (T>G on the coding strand, the complement: MUTYH is on the minus strand). VCF-style: chr1-45332846-A-C. GRCh37 (hg19) VCF-style: chr1-45798518-A-C.
Other names: c.76-12T>G (NM_001350651.2, NM_001350650.2); c.145-12T>G (NM_001293192.2, NM_001293196.2); c.421-12T>G (NM_001048171.2, NM_001048173.2, NM_001293195.2); c.466-12T>G (NM_001293190.2); c.496-12T>G (NM_012222.3); c.505-12T>G (NM_001128425.2); c.424-12T>G (NM_001048172.2); c.454-12T>G (NM_001293191.2).
Identifiers: ClinVar variation 421127 (VCV000421127.14), dbSNP rs890418965, ClinGen allele CA16617167.

ClinVar aggregate classification (germline): Conflicting classifications of pathogenicity. Review status: criteria provided, conflicting classifications (1 of 4 stars). 5 submissions from 5 submitters: Uncertain significance (4); Likely benign (1). Last evaluated 2025-01-29.

Conditions:
Hereditary cancer-predisposing syndrome. Also called: Tumor predisposition; Hereditary Cancer Syndrome; Hereditary neoplastic syndrome; Neoplastic Syndromes, Hereditary. Identifiers: Orphanet 140162, MedGen C0027672, MeSH D009386, MONDO:0015356.
Familial adenomatous polyposis 2. Also called: COLORECTAL ADENOMATOUS POLYPOSIS, AUTOSOMAL RECESSIVE; MUTYH Polyposis; MUTYH-associated polyposis; MUTYH-related attenuated familial adenomatous polyposis; Adenomas, multiple colorectal; ADENOMAS, MULTIPLE COLORECTAL, AUTOSOMAL RECESSIVE. Identifiers: Orphanet 220460, Orphanet 247798, MedGen C3272841, MONDO:0012041, OMIM 608456.

Allele frequency attached by ClinVar (database versions not stated): gnomAD exomes below 0.00001; gnomAD 0.00001; TOPMed 0.00001.
gnomAD v4.1: 3 of 1,614,004 alleles (0.00019%); highest among the groups gnomAD compares: Non-Finnish European, 0.00025%; no homozygotes.

Submissions (5):

Labcorp Genetics (formerly Invitae), Labcorp
Classification: Likely benign for Familial adenomatous polyposis 2. Last evaluated: 2025-01-29. Review status: criteria provided, single submitter. Criteria: Invitae Variant Classification Sherloc (09022015). Collection method: clinical testing. Allele origin: germline.

Baylor Genetics
Classification: Uncertain significance for Familial adenomatous polyposis 2. Last evaluated: 2023-08-22. Review status: criteria provided, single submitter. Criteria: ACMG Guidelines, 2015. Collection method: clinical testing. Allele origin: unknown.

Color Diagnostics, LLC DBA Color Health
Classification: Uncertain significance for Hereditary cancer-predisposing syndrome. Last evaluated: 2019-12-05. Review status: criteria provided, single submitter. Criteria: ACMG Guidelines, 2015. Collection method: clinical testing. Allele origin: germline.
Comment: This variant causes a T>G nucleotide substitution at the -12 position of intron 6 of the MUTYH gene. This variant is also known as c.463-12T>G based on an alternative transcript (NM_001048171). Splice site prediction tools predict that this variant may have a significant impact on RNA splicing. Although this prediction has not been confirmed in published RNA studies, this variant is expected to result in an absent or disrupted protein product. To our knowledge, functional studies have not been performed for this variant. This variant has not been reported in individuals affected with hereditary cancer in the literature. This variant has not been identified in the general population by the Genome Aggregation Database (gnomAD). The available evidence is insufficient to determine the role of this variant in disease conclusively. Therefore, this variant is classified as a Variant of Uncertain Significance.

GeneDx
Classification: Uncertain significance. Last evaluated: 2016-05-04. Review status: criteria provided, single submitter. Criteria: GeneDx Variant Classification (06012015). Collection method: clinical testing. Allele origin: germline. Affected: yes.
Comment: This variant is denoted MUTYH c.505-12T>G or IVS6-12T>G and consists of a T>G nucleotide substitution at the -12 position of intron 6 of the MUTYH gene. Multiple in silico models predict this variant to damage the nearby natural acceptor site and to possibly cause abnormal gene splicing; however, in the absence of RNA or functional studies, the actual effect of this variant is unknown. This variant has not, to our knowledge, been published in the literature as pathogenic or benign. MUTYH c.505-12T>G was not observed in approximately 6,500 individuals of European and African American ancestry in the NHLBI Exome Sequencing Project, suggesting it is not a common benign variant in these populations. The thymine (T) nucleotide that is altered is not conserved across species. Based on currently available information, it is unclear whether MUTYH c.505-12T>G is pathogenic or benign. We consider it to be a variant of uncertain significance.

Ambry Genetics
Classification: Uncertain significance for Hereditary cancer-predisposing syndrome. Last evaluated: 2015-07-02. Review status: criteria provided, single submitter. Criteria: Ambry Variant Classification Scheme 2023. Collection method: clinical testing. Allele origin: germline.
Comment: The c.505-12T>G intronic alteration consists of a T to G substitution 12 nucleotides before coding exon 7 in the MUTYH gene. Based on insufficient or conflicting evidence, the clinical significance of this alteration remains unclear.